The following is an entry in ClinVar:

ClinVar aggregate classification (germline): Uncertain significance (1 of 4 stars; one submission).

Submission:

GeneDx
Classification: Uncertain significance. Last evaluated: 2025-07-27. Review status: criteria provided, single submitter. Criteria: GeneDx Variant Classification Process June 2021. Collection method: clinical testing. Allele origin: germline. Affected: yes.
Comment: Not observed at significant frequency in large population cohorts (gnomAD); In silico analysis supports that this missense variant has a deleterious effect on protein structure/function; Has not been previously published as pathogenic or benign to our knowledge

NM_000540.3(RYR1):c.2140G>T (p.Gly714Cys)

Gene: RYR1 (ryanodine receptor 1; plus strand). Cytogenetic location: 19q13.2.
Variant type: single nucleotide variant.
Coding change: c.2140G>T on transcript NM_000540.3 (MANE Select); coding-DNA position 2140, G replaced by T.
Protein change: p.Gly714Cys; replaces glycine 714 with cysteine.
Molecular consequence: missense variant.
Genome position (GRCh38, 1-based): chr19:38,458,265, G>T. VCF-style: chr19-38458265-G-T. GRCh37 (hg19) VCF-style: chr19-38948905-G-T.
Other names: c.2140G>T, p.Gly714Cys (NM_001042723.2); short protein forms G714C.
Identifiers: ClinVar variation 4690079 (VCV004690079.1).